The following is an entry in ClinVar:

ClinVar aggregate classification (germline): Benign/Likely benign. Review status: criteria provided, multiple submitters, no conflicts (2 of 4 stars). 10 submissions from 10 submitters: Benign (5); Likely benign (2). 3 of the submissions do not count toward it. Last evaluated 2026-01-01.

Conditions:
ADNP-related disorder. Also called: ADNP-related condition.
Inborn genetic diseases. Identifiers: MedGen C0950123, MeSH D030342.
ADNP-related multiple congenital anomalies - intellectual disability - autism spectrum disorder. Also called: ADNP-Related Helsmoortel-Van der Aa Syndrome; Helsmoortel-Van der Aa Syndrome. Identifiers: Orphanet 404448, MedGen C4014538, MONDO:0014379, OMIM 615873. Disease mechanism: loss of function.

Allele frequency attached by ClinVar (database versions not stated): 1000 Genomes Project 30x 0.00062; 1000 Genomes Project 0.00080; TOPMed 0.00145; ExAC 0.00190; gnomAD exomes 0.00205 and 0.00258; gnomAD 0.00222 and 0.00236; ESP Exome Variant Server 0.00246.
gnomAD v4.1: 4,052 of 1,614,196 alleles (0.25%); highest among the groups gnomAD compares: Non-Finnish European, 0.27%; 7 homozygotes.

Submissions (10):

CeGaT Center for Human Genetics Tuebingen
Classification: Likely benign. Last evaluated: 2026-01-01. Review status: criteria provided, single submitter. Criteria: CeGaT Center For Human Genetics Tuebingen Variant Classification Criteria Version 2. Collection method: clinical testing. Allele origin: germline. Affected: yes. Observed: 4 variant alleles.
Comment: ADNP: BP4, BS1

Labcorp Genetics (formerly Invitae), Labcorp
Classification: Benign. Last evaluated: 2025-12-26. Review status: criteria provided, single submitter. Criteria: Invitae Variant Classification Sherloc (09022015). Collection method: clinical testing. Allele origin: germline.

Blueprint Genetics
Classification: Likely benign. Last evaluated: 2024-11-11. Review status: criteria provided, single submitter. Criteria: ACMG Guidelines, 2015. Collection method: clinical testing. Allele origin: germline.

Genome-Nilou Lab
Classification: Benign for ADNP-related multiple congenital anomalies - intellectual disability - autism spectrum disorder. Last evaluated: 2021-12-05. Review status: criteria provided, single submitter. Criteria: ACMG Guidelines, 2015. Collection method: clinical testing. Allele origin: germline. Affected: no.

GeneDx
Classification: Benign. Last evaluated: 2021-01-14. Review status: criteria provided, single submitter. Criteria: GeneDx Variant Classification Process June 2021. Collection method: clinical testing. Allele origin: germline. Affected: yes.

Ambry Genetics
Classification: Benign for Inborn genetic diseases. Last evaluated: 2018-01-26. Review status: criteria provided, single submitter. Criteria: Ambry Variant Classification Scheme 2023. Collection method: clinical testing. Allele origin: germline.

Genomic Diagnostic Laboratory, Division of Genomic Diagnostics, Children's Hospital of Philadelphia
Classification: Benign. Last evaluated: 2015-07-30. Review status: criteria provided, single submitter. Criteria: DGD Variant Analysis Guidelines. Collection method: clinical testing. Allele origin: unknown.

PreventionGenetics, part of Exact Sciences
Classification: Benign for ADNP-related condition. Last evaluated: 2019-05-08. Review status: no assertion criteria provided. Collection method: clinical testing. Allele origin: germline. Not counted in ClinVar's aggregate classification.
Comment: This variant is classified as benign based on ACMG/AMP sequence variant interpretation guidelines (Richards et al. 2015 PMID: 25741868, with internal and published modifications).

Clinical Genetics DNA and cytogenetics Diagnostics Lab, Erasmus MC, Erasmus Medical Center
Classification: Likely benign. Review status: no assertion criteria provided. Collection method: clinical testing. Allele origin: germline. Affected: yes. Study: VKGL Data-share Consensus. Not counted in ClinVar's aggregate classification.

Laboratory of Diagnostic Genome Analysis, Leiden University Medical Center (LUMC)
Classification: Likely benign. Review status: no assertion criteria provided. Collection method: clinical testing. Allele origin: germline. Affected: yes. Study: VKGL Data-share Consensus. Not counted in ClinVar's aggregate classification.

NM_001282531.3(ADNP):c.2743G>A (p.Val915Ile)

Gene: ADNP (activity dependent neuroprotector homeobox; minus strand). Cytogenetic location: 20q13.13.
Variant type: single nucleotide variant.
Coding change: c.2743G>A on transcript NM_001282531.3 (MANE Select); coding-DNA position 2743, G replaced by A.
Protein change: p.Val915Ile; replaces valine 915 with isoleucine.
Molecular consequence: missense variant.
Genome position (GRCh38, 1-based): chr20:50,891,971, C>T on the plus strand (G>A on the coding strand, the complement: ADNP is on the minus strand). VCF-style: chr20-50891971-C-T. GRCh37 (hg19) VCF-style: chr20-49508508-C-T.
Other names: c.2743G>A (NM_001282531.2); c.2743G>A, p.Val915Ile (NM_001282532.2, NM_001347511.2, NM_015339.5 and 1 more transcripts); short protein forms V915I.
Identifiers: ClinVar variation 252698 (VCV000252698.45), dbSNP rs150900514, ClinGen allele CA9908529.